The following is an entry in ClinVar:

NM_018192.4(P3H2):c.1523G>T (p.Gly508Val)

Gene: P3H2 (prolyl 3-hydroxylase 2; minus strand). Cytogenetic location: 3q28.
Variant type: single nucleotide variant.
Coding change: c.1523G>T on transcript NM_018192.4 (MANE Select); coding-DNA position 1523, G replaced by T.
Protein change: p.Gly508Val; replaces glycine 508 with valine.
Molecular consequence: missense variant.
Genome position (GRCh38, 1-based): chr3:189,973,934, C>A on the plus strand (G>T on the coding strand, the complement: P3H2 is on the minus strand). VCF-style: chr3-189973934-C-A. GRCh37 (hg19) VCF-style: chr3-189691723-C-A.
Other names: P3H2, GLY508VAL; c.980G>T, p.Gly327Val (NM_001134418.2); short protein forms G508V, G327V.
Identifiers: ClinVar variation 30822 (VCV000030822.3), dbSNP rs724159988, ClinGen allele CA129486.

ClinVar aggregate classification (germline): Pathogenic/Likely pathogenic. Review status: criteria provided, multiple submitters, no conflicts (2 of 4 stars). 3 submissions from 3 submitters: Pathogenic (1); Likely pathogenic (1). 1 of the submissions does not count toward it. Last evaluated 2025-01-05.

Conditions:
Myopia, high, with cataract and vitreoretinal degeneration (MCVD). Identifiers: MedGen C3280346, MONDO:0013670, OMIM 614292.

Allele frequency attached by ClinVar (database versions not stated): TOPMed below 0.00001; gnomAD 0.00001.
gnomAD v4.1: 3 of 1,614,024 alleles (0.00019%); highest among the groups gnomAD compares: Middle Eastern, 0.033%; no homozygotes.

Submissions (3):

First Genomix Gene Laboratory, Genetic Diagnostics Department
Classification: Likely pathogenic for Myopia, high, with cataract and vitreoretinal degeneration. Last evaluated: 2025-01-05. Review status: criteria provided, single submitter. Criteria: ACMG Guidelines, 2015. Collection method: clinical testing. Allele origin: germline. Inheritance: Autosomal recessive inheritance. Affected: no. Observed: 1 variant allele.

3billion
Classification: Pathogenic for Myopia, high, with cataract and vitreoretinal degeneration. Last evaluated: 2024-05-23. Review status: criteria provided, single submitter. Criteria: ACMG Guidelines, 2015. Collection method: clinical testing. Allele origin: germline. Affected: yes.
Comment: The variant is observed at an extremely low frequency in the gnomAD v4.0.0 dataset (total allele frequency: <0.001%). Predicted Consequence/Location: The majority of the known disease-causing variants of this gene are variants expected to result in premature termination of the protein. Functional studies provide strong evidence of the variant having a damaging effect on the gene or gene product (PMID: 21885030). In silico tool predictions suggest damaging effect of the variant on gene or gene product [REVEL: 0.68 (>=0.6, sensitivity 0.68 and specificity 0.92)]. Same nucleotide change resulting in same amino acid change has been previously reported to be associated with P3H2 related disorder (ClinVar ID: VCV000030822 /PMID: 21885030). The variant has been reported to co-segregate with the disease in at least 5 similarly affected relatives/individuals in the same family or similarly affected unrelated family (PMID: 21885030). Therefore, this variant is classified as Pathogenic according to the recommendation of ACMG/AMP guideline.

OMIM
Classification: Pathogenic for MYOPIA, HIGH, WITH CATARACT AND VITREORETINAL DEGENERATION. Last evaluated: 2011-09-09. Review status: no assertion criteria provided. Collection method: literature only. Allele origin: germline. Not counted in ClinVar's aggregate classification.

Literature cited by the submitters: PubMed 21885030 (cited by 3billion and OMIM).